The following is an entry in ClinVar:

NM_000785.4(CYP27B1):c.330C>T (p.Phe110=)

Gene: CYP27B1 (cytochrome P450 family 27 subfamily B member 1; minus strand). Cytogenetic location: 12q14.1.
Variant type: single nucleotide variant.
Coding change: c.330C>T on transcript NM_000785.4 (MANE Select); coding-DNA position 330, C replaced by T.
Protein change: p.Phe110=; no amino-acid change (phenylalanine 110 retained).
Molecular consequence: synonymous variant.
Genome position (GRCh38, 1-based): chr12:57,766,063, G>A on the plus strand (C>T on the coding strand, the complement: CYP27B1 is on the minus strand). VCF-style: chr12-57766063-G-A. GRCh37 (hg19) VCF-style: chr12-58159846-G-A.
Other names: c.330C>T (NM_000785.3).
Identifiers: ClinVar variation 1167225 (VCV001167225.12), dbSNP rs546648396, ClinGen allele CA6658495.

ClinVar aggregate classification (germline): Benign/Likely benign. Review status: criteria provided, multiple submitters, no conflicts (2 of 4 stars). 4 submissions from 4 submitters: Benign (1); Likely benign (3). Last evaluated 2026-01-11.

Conditions:
CYP27B1-related disorder. Also called: CYP27B1-related condition.
Vitamin D-dependent rickets, type 1A. Also called: VITAMIN D HYDROXYLATION-DEFICIENT RICKETS, TYPE 1A; PDDR IA; PSEUDOVITAMIN D-DEFICIENCY RICKETS, TYPE IA. Identifiers: MedGen CN283242, MONDO:0020723, OMIM 264700.

Allele frequency attached by ClinVar (database versions not stated): gnomAD 0.00001 and 0.00017; TOPMed 0.00002; 1000 Genomes Project 30x 0.00062; 1000 Genomes Project 0.00080; gnomAD exomes 0.00098; ExAC 0.00259.
gnomAD v4.1: 504 of 1,560,120 alleles (0.032%); highest among the groups gnomAD compares: South Asian, 0.56%; 3 homozygotes.

Submissions (4):

Labcorp Genetics (formerly Invitae), Labcorp
Classification: Benign. Last evaluated: 2026-01-11. Review status: criteria provided, single submitter. Criteria: Invitae Variant Classification Sherloc (09022015). Collection method: clinical testing. Allele origin: germline.

PreventionGenetics, part of Exact Sciences
Classification: Likely benign for CYP27B1-related condition. Last evaluated: 2025-02-03. Review status: criteria provided, single submitter. Criteria: ACMG Guidelines, 2015. Collection method: clinical testing. Allele origin: germline.
Comment: This variant is classified as likely benign based on ACMG/AMP sequence variant interpretation guidelines (Richards et al. 2015 PMID: 25741868, with internal and published modifications).

Blueprint Genetics
Classification: Likely benign. Last evaluated: 2024-11-21. Review status: criteria provided, single submitter. Criteria: ACMG Guidelines, 2015. Collection method: clinical testing. Allele origin: germline.

Fulgent Genetics
Classification: Likely benign for Vitamin D-dependent rickets, type 1A. Last evaluated: 2022-03-31. Review status: criteria provided, single submitter. Criteria: ACMG Guidelines, 2015. Collection method: clinical testing. Allele origin: unknown.